The following is an entry in ClinVar:

ClinVar aggregate classification (germline): Uncertain significance (1 of 4 stars; one submission).

Submission:

GeneDx
Classification: Uncertain significance. Last evaluated: 2024-05-24. Review status: criteria provided, single submitter. Criteria: GeneDx Variant Classification Process June 2021. Collection method: clinical testing. Allele origin: germline. Affected: yes.
Comment: Not observed at significant frequency in large population cohorts (gnomAD); In silico analysis supports that this missense variant has a deleterious effect on protein structure/function; Has not been previously published as pathogenic or benign to our knowledge

NM_016604.4(KDM3B):c.4739G>T (p.Gly1580Val)

Gene: KDM3B (lysine demethylase 3B; plus strand). Cytogenetic location: 5q31.2.
Variant type: single nucleotide variant.
Coding change: c.4739G>T on transcript NM_016604.4 (MANE Select); coding-DNA position 4739, G replaced by T.
Protein change: p.Gly1580Val; replaces glycine 1580 with valine.
Molecular consequence: missense variant.
Genome position (GRCh38, 1-based): chr5:138,428,072, G>T. VCF-style: chr5-138428072-G-T. GRCh37 (hg19) VCF-style: chr5-137763761-G-T.
Other names: short protein forms G1580V.
Identifiers: ClinVar variation 3381336 (VCV003381336.1).